The following is an entry in ClinVar:

ClinVar aggregate classification (germline): Uncertain significance. Review status: criteria provided, multiple submitters, no conflicts (2 of 4 stars). 2 submissions from 2 submitters: Uncertain significance (2). Last evaluated 2025-12-30.

Conditions:
Inborn genetic diseases. Identifiers: MedGen C0950123, MeSH D030342.
Congenital myasthenic syndrome 2A. Also called: Myasthenic syndrome, congenital, 2a, slow-channel. Identifiers: Orphanet 590, MedGen C4225374, MONDO:0014581, OMIM 616313.

Allele frequency attached by ClinVar (database versions not stated): gnomAD exomes 0.00001; gnomAD 0.00004; TOPMed 0.00004; ESP Exome Variant Server 0.00008.
gnomAD v4.1: 10 of 1,613,916 alleles (0.00062%); highest among the groups gnomAD compares: African/African-American, 0.013%; no homozygotes.

Submissions (2):

Labcorp Genetics (formerly Invitae), Labcorp
Classification: Uncertain significance for Congenital myasthenic syndrome 2A. Last evaluated: 2025-12-30. Review status: criteria provided, single submitter. Criteria: Invitae Variant Classification Sherloc (09022015). Collection method: clinical testing. Allele origin: germline.
Comment: This sequence change replaces aspartic acid, which is acidic and polar, with glycine, which is neutral and non-polar, at codon 136 of the CHRNB1 protein (p.Asp136Gly). This variant is present in population databases (rs370702418, gnomAD 0.02%). This variant has not been reported in the literature in individuals affected with CHRNB1-related conditions. ClinVar contains an entry for this variant (Variation ID: 1062610). Invitae Evidence Modeling of protein sequence and biophysical properties (such as structural, functional, and spatial information, amino acid conservation, physicochemical variation, residue mobility, and thermodynamic stability) indicates that this missense variant is not expected to disrupt CHRNB1 protein function with a negative predictive value of 80%. In summary, the available evidence is currently insufficient to determine the role of this variant in disease. Therefore, it has been classified as a Variant of Uncertain Significance.

Ambry Genetics
Classification: Uncertain significance for Inborn genetic diseases. Last evaluated: 2022-07-08. Review status: criteria provided, single submitter. Criteria: Ambry Variant Classification Scheme 2023. Collection method: clinical testing. Allele origin: germline.

NM_000747.3(CHRNB1):c.407A>G (p.Asp136Gly)

Gene: CHRNB1 (cholinergic receptor nicotinic beta 1 subunit; plus strand). Cytogenetic location: 17p13.1.
Variant type: single nucleotide variant.
Coding change: c.407A>G on transcript NM_000747.3 (MANE Select); coding-DNA position 407, A replaced by G.
Protein change: p.Asp136Gly; replaces aspartic acid 136 with glycine.
Molecular consequence: missense variant.
Genome position (GRCh38, 1-based): chr17:7,447,096, A>G. VCF-style: chr17-7447096-A-G. GRCh37 (hg19) VCF-style: chr17-7350415-A-G.
Other names: c.407A>G (NM_000747.2); short protein forms D136G.
Identifiers: ClinVar variation 1062610 (VCV001062610.10), dbSNP rs370702418, ClinGen allele CA287424249.